The following is an entry in ClinVar:

NM_001903.5(CTNNA1):c.468+1G>A

Gene: CTNNA1 (catenin alpha 1; plus strand). Cytogenetic location: 5q31.2.
Variant type: single nucleotide variant.
Coding change: c.468+1G>A on transcript NM_001903.5 (MANE Select); the canonical splice donor site of the intron after coding-DNA position 468, G replaced by A.
Molecular consequence: splice donor variant.
Genome position (GRCh38, 1-based): chr5:138,810,205, G>A. VCF-style: chr5-138810205-G-A. GRCh37 (hg19) VCF-style: chr5-138145894-G-A.
Other names: c.468+1G>A (NM_001323982.2, NM_001323984.2, NM_001290307.3 and 3 more transcripts); c.99+1G>A (NM_001290310.3); c.159+1G>A (NM_001290309.3).
Identifiers: ClinVar variation 951013 (VCV000951013.8), dbSNP rs1758534276, ClinGen allele CA361123822.

ClinVar aggregate classification (germline): Likely pathogenic (1 of 4 stars; one submission).

Submission:

Labcorp Genetics (formerly Invitae), Labcorp
Classification: Likely pathogenic. Last evaluated: 2023-06-13. Review status: criteria provided, single submitter. Criteria: Invitae Variant Classification Sherloc (09022015). Collection method: clinical testing. Allele origin: germline.
Comment: Algorithms developed to predict the effect of sequence changes on RNA splicing suggest that this variant may disrupt the consensus splice site. In summary, the currently available evidence indicates that the variant is pathogenic, but additional data are needed to prove that conclusively. Therefore, this variant has been classified as Likely Pathogenic. ClinVar contains an entry for this variant (Variation ID: 951013). This variant has not been reported in the literature in individuals affected with CTNNA1-related conditions. This variant is not present in population databases (gnomAD no frequency). This sequence change affects a donor splice site in intron 4 of the CTNNA1 gene. It is expected to disrupt RNA splicing. Variants that disrupt the donor or acceptor splice site typically lead to a loss of protein function (PMID: 16199547), and loss-of-function variants in CTNNA1 are known to be pathogenic (PMID: 32051609, 34425242).

Literature cited by the submitters: PubMed 16199547; PubMed 32051609; PubMed 34425242.